The following is an entry in ClinVar:

NM_003640.5(ELP1):c.3551A>G (p.His1184Arg)

Gene: ELP1 (elongator acetyltransferase complex subunit 1; minus strand). Cytogenetic location: 9q31.3.
Variant type: single nucleotide variant.
Coding change: c.3551A>G on transcript NM_003640.5 (MANE Select); coding-DNA position 3551, A replaced by G.
Protein change: p.His1184Arg; replaces histidine 1184 with arginine.
Molecular consequence: missense variant.
Genome position (GRCh38, 1-based): chr9:108,879,467, T>C on the plus strand (A>G on the coding strand, the complement: ELP1 is on the minus strand). VCF-style: chr9-108879467-T-C. GRCh37 (hg19) VCF-style: chr9-111641747-T-C.
Other names: c.3209A>G, p.His1070Arg (NM_001318360.2); c.2504A>G, p.His835Arg (NM_001330749.2); short protein forms H1184R, H1070R, H835R.
Identifiers: ClinVar variation 957991 (VCV000957991.7), dbSNP rs201781695, ClinGen allele CA197520314.

ClinVar aggregate classification (germline): Uncertain significance. Review status: criteria provided, multiple submitters, no conflicts (2 of 4 stars). 4 submissions from 4 submitters: Uncertain significance (3). 1 of the submissions does not count toward it. Last evaluated 2025-05-23.

Conditions:
Familial dysautonomia. Also called: HSAN III; FD. Identifiers: Orphanet 1764, MedGen C0013364, MONDO:0009131, OMIM 223900. Disease mechanism: loss of function.
Medulloblastoma (MDB). Also called: MEDULLOBLASTOMA PREDISPOSITION SYNDROME; Medulloblastoma, somatic. Identifiers: Orphanet 616, MedGen C0025149, MeSH D008527, MONDO:0007959, OMIM 155255, HP:0002885.

Allele frequency attached by ClinVar (database versions not stated): gnomAD exomes below 0.00001; TOPMed below 0.00001; gnomAD 0.00001.
gnomAD v4.1: 2 of 1,613,038 alleles (0.00012%); highest among the groups gnomAD compares: Non-Finnish European, 0.00017%; no homozygotes.

Submissions (4):

Ambry Genetics
Classification: Uncertain significance. Last evaluated: 2025-05-23. Review status: criteria provided, single submitter. Criteria: Ambry Variant Classification Scheme 2023. Collection method: clinical testing. Allele origin: germline.

Fulgent Genetics
Classification: Uncertain significance for Medulloblastoma; Familial dysautonomia. Last evaluated: 2021-10-15. Review status: criteria provided, single submitter. Criteria: ACMG Guidelines, 2015. Collection method: clinical testing. Allele origin: unknown.

Labcorp Genetics (formerly Invitae), Labcorp
Classification: Uncertain significance. Last evaluated: 2021-09-01. Review status: criteria provided, single submitter. Criteria: Invitae Variant Classification Sherloc (09022015). Collection method: clinical testing. Allele origin: germline.
Comment: This sequence change replaces histidine with arginine at codon 1184 of the ELP1 protein (p.His1184Arg). The histidine residue is moderately conserved and there is a small physicochemical difference between histidine and arginine. This variant is not present in population databases (ExAC no frequency). This variant has not been reported in the literature in individuals affected with ELP1-related conditions. Algorithms developed to predict the effect of missense changes on protein structure and function (SIFT, PolyPhen-2, Align-GVGD) all suggest that this variant is likely to be tolerated. In summary, the available evidence is currently insufficient to determine the role of this variant in disease. Therefore, it has been classified as a Variant of Uncertain Significance.

Natera, Inc.
Classification: Uncertain significance for Familial dysautonomia. Last evaluated: 2020-10-19. Review status: no assertion criteria provided. Collection method: clinical testing. Allele origin: germline. Not counted in ClinVar's aggregate classification.